The following is an entry in ClinVar:

ClinVar aggregate classification (germline): Uncertain significance (1 of 4 stars; one submission).

Conditions:
Hereditary cancer-predisposing syndrome. Also called: Tumor predisposition; Hereditary neoplastic syndrome; Neoplastic Syndromes, Hereditary; Hereditary Cancer Syndrome. Identifiers: Orphanet 140162, MedGen C0027672, MeSH D009386, MONDO:0015356.

Submission:

Ambry Genetics
Classification: Uncertain significance for Hereditary cancer-predisposing syndrome. Last evaluated: 2025-03-22. Review status: criteria provided, single submitter. Criteria: Ambry Variant Classification Scheme 2023. Collection method: clinical testing. Allele origin: germline.
Comment: The p.I813L variant (also known as c.2437A>C) is located in coding exon 15 of the DICER1 gene. The isoleucine at codon 813 is replaced by leucine, an amino acid with highly similar properties. This change occurs in the first base pair of coding exon 15. This amino acid position is conserved. In addition, the in silico prediction for this alteration is inconclusive. Based on the available evidence, the clinical significance of this variant remains unclear.

NM_177438.3(DICER1):c.2437A>C (p.Ile813Leu)

Gene: DICER1 (dicer 1, ribonuclease III; minus strand). Cytogenetic location: 14q32.13.
Variant type: single nucleotide variant.
Coding change: c.2437A>C on transcript NM_177438.3 (MANE Select); coding-DNA position 2437, A replaced by C.
Protein change: p.Ile813Leu; replaces isoleucine 813 with leucine.
Molecular consequence: missense variant. On other transcripts: non-coding transcript variant (6).
Genome position (GRCh38, 1-based): chr14:95,108,093, T>G on the plus strand (A>C on the coding strand, the complement: DICER1 is on the minus strand). VCF-style: chr14-95108093-T-G. GRCh37 (hg19) VCF-style: chr14-95574430-T-G.
Other names: c.2437A>C, p.Ile813Leu (NM_001195573.1, NM_001271282.3, NM_001291628.2 and 12 more transcripts); c.2155A>C, p.Ile719Leu (NM_001395686.1); c.2032A>C, p.Ile678Leu (NM_001395687.1, NM_001395688.1, NM_001395689.1 and 2 more transcripts); c.1870A>C, p.Ile624Leu (NM_001395691.1); c.754A>C, p.Ile252Leu (NM_001395697.1); short protein forms I678L, I813L, I719L, I252L, I624L.
Identifiers: ClinVar variation 4011595 (VCV004011595.1).